The following is an entry in ClinVar:

ClinVar aggregate classification (germline): Uncertain significance (1 of 4 stars; one submission).

Conditions:
Cardiomyopathy (CMYO). Also called: Cardiomyopathies. Identifiers: Orphanet 167848, MedGen C0878544, MONDO:0004994, HP:0001638. Inheritance: Various modes of inheritance.

Submission:

Color Diagnostics, LLC DBA Color Health
Classification: Uncertain significance for Cardiomyopathy. Last evaluated: 2025-06-09. Review status: criteria provided, single submitter. Criteria: ACMG Guidelines, 2015. Collection method: clinical testing. Allele origin: germline.
Comment: This missense variant replaces methionine with valine at codon 1457 of the DSP protein. Computational prediction suggests that this variant may not impact protein structure and function. To our knowledge, functional studies have not been reported for this variant. This variant has not been reported in individuals affected with DSP-related disorders in the literature. This variant has not been identified in the general population by the Genome Aggregation Database (gnomAD). The available evidence is insufficient to determine the role of this variant in disease conclusively. Therefore, this variant is classified as a Variant of Uncertain Significance.

NM_004415.4(DSP):c.4369A>G (p.Met1457Val)

Gene: DSP (desmoplakin; plus strand). Cytogenetic location: 6p24.3.
Variant type: single nucleotide variant.
Coding change: c.4369A>G on transcript NM_004415.4 (MANE Select); coding-DNA position 4369, A replaced by G.
Protein change: p.Met1457Val; replaces methionine 1457 with valine.
Molecular consequence: missense variant. On other transcripts: intron variant (2).
Genome position (GRCh38, 1-based): chr6:7,580,559, A>G. VCF-style: chr6-7580559-A-G. GRCh37 (hg19) VCF-style: chr6-7580792-A-G.
Other names: c.4050+319A>G (NM_001319034.2); c.3582+787A>G (NM_001008844.3); short protein forms M1457V.
Identifiers: ClinVar variation 4757046 (VCV004757046.1).
Genomic context (GRCh38, chr6:7,580,559, plus strand): 5'-GGCTCTGAGGTGTCTCAGAGGAAACAGCAGCTGGAGGTTGAGCTGAGACAAGTCACTCAG[A>G]TGCGAACAGAGGAGAGCGTAAGATATAAGCAATCTCTTGATGATGCTGCCAAAACCATCC-3'
Protein context (NP_004406.2, residues 1447-1467): LEVELRQVTQ[Met1457Val]RTEESVRYKQ